The following is an entry in ClinVar:

ClinVar aggregate classification (germline): Uncertain significance (1 of 4 stars; one submission).

Conditions:
RYR1-related disorder. Also called: RYR1-related condition; RYR1-related disorders. Identifiers: MedGen CN239331.

Submission:

Labcorp Genetics (formerly Invitae), Labcorp
Classification: Uncertain significance for RYR1-related disorder. Last evaluated: 2020-10-06. Review status: criteria provided, single submitter. Criteria: Invitae Variant Classification Sherloc (09022015). Collection method: clinical testing. Allele origin: germline.
Comment: In summary, the available evidence is currently insufficient to determine the role of this variant in disease. Therefore, it has been classified as a Variant of Uncertain Significance. Nucleotide substitutions within the consensus splice site are a relatively common cause of aberrant splicing (PMID: 17576681, 9536098). Algorithms developed to predict the effect of sequence changes on RNA splicing suggest that this variant may disrupt the consensus splice site, but this prediction has not been confirmed by published transcriptional studies. This variant has not been reported in the literature in individuals with RYR1-related conditions. This variant is not present in population databases (ExAC no frequency). This sequence change falls in intron 23 of the RYR1 gene. It does not directly change the encoded amino acid sequence of the RYR1 protein, but it affects a nucleotide within the consensus splice site of the intron.

Literature cited by the submitters: PubMed 17576681; PubMed 9536098.

NM_000540.3(RYR1):c.2870+5G>A

Gene: RYR1 (ryanodine receptor 1; plus strand). Cytogenetic location: 19q13.2.
Variant type: single nucleotide variant.
Coding change: c.2870+5G>A on transcript NM_000540.3 (MANE Select); 5 bases into the intron after coding-DNA position 2870, G replaced by A.
Molecular consequence: intron variant.
Genome position (GRCh38, 1-based): chr19:38,464,727, G>A. VCF-style: chr19-38464727-G-A. GRCh37 (hg19) VCF-style: chr19-38955367-G-A.
Other names: c.2870+5G>A (NM_001042723.2).
Identifiers: ClinVar variation 1026866 (VCV001026866.6), dbSNP rs1968000305, ClinGen allele CA2335036098.
Genomic context (GRCh38, chr19:38,464,727, plus strand): 5'-GGCATGGCGGATGAGAAGGCGGAGGACAACCTGAAGAAGACAAAACTCCCCAAGACGTGA[G>A]TGTGGGCAGCCAGGTCCCGTCTGGGGATGGACTGGGGGCTGGGGATGCTGTGCTAAGGGC-3'